The following is an entry in ClinVar:

ClinVar aggregate classification (germline): Benign/Likely benign. Review status: criteria provided, multiple submitters, no conflicts (2 of 4 stars). 5 submissions from 5 submitters: Benign (1); Likely benign (4). Last evaluated 2026-01-27.

Conditions:
Age related macular degeneration 1 (ARMD1). Also called: MACULOPATHY, AGE-RELATED, 1. Identifiers: MedGen C1864205, MONDO:0011285, OMIM 603075.

Allele frequency attached by ClinVar (database versions not stated): ESP Exome Variant Server 0.00023; 1000 Genomes Project 30x 0.00031; 1000 Genomes Project 0.00040; gnomAD 0.00044 and 0.00047; ExAC 0.00054; TOPMed 0.00056; gnomAD exomes 0.00061.
gnomAD v4.1: 943 of 1,613,260 alleles (0.058%); highest among the groups gnomAD compares: Middle Eastern, 0.53%; no homozygotes.

Submissions (5):

Labcorp Genetics (formerly Invitae), Labcorp
Classification: Likely benign. Last evaluated: 2026-01-27. Review status: criteria provided, single submitter. Criteria: Invitae Variant Classification Sherloc (09022015). Collection method: clinical testing. Allele origin: germline.

Genomic Medicine Center of Excellence, King Faisal Specialist Hospital and Research Centre
Classification: Likely benign. Last evaluated: 2025-08-18. Review status: criteria provided, single submitter. Criteria: ACMG Guidelines, 2015. Collection method: clinical testing. Allele origin: germline.

CeGaT Center for Human Genetics Tuebingen
Classification: Benign. Last evaluated: 2025-05-01. Review status: criteria provided, single submitter. Criteria: CeGaT Center For Human Genetics Tuebingen Variant Classification Criteria Version 2. Collection method: clinical testing. Allele origin: germline. Affected: yes. Observed: 2 variant alleles.
Comment: HMCN1: BP4, BS1, BS2

Genome-Nilou Lab
Classification: Likely benign for Age related macular degeneration 1. Last evaluated: 2023-04-11. Review status: criteria provided, single submitter. Criteria: ACMG Guidelines, 2015. Collection method: clinical testing. Allele origin: germline. Affected: no.

Illumina Laboratory Services, Illumina
Classification: Likely benign for Age related macular degeneration 1. Last evaluated: 2018-01-12. Review status: criteria provided, single submitter. Criteria: ICSL Variant Classification Criteria 13 December 2019. Collection method: clinical testing. Allele origin: germline.
Comment: This variant was observed in the ICSL laboratory as part of a predisposition screen in an ostensibly healthy population. It had not been previously curated by ICSL or reported in the Human Gene Mutation Database (HGMD: prior to June 1st, 2018), and was therefore a candidate for classification through an automated scoring system. Utilizing variant allele frequency, disease prevalence and penetrance estimates, and inheritance mode, an automated score was calculated to assess if this variant is too frequent to cause the disease. Based on the score and internal cut-off values, a variant classified as likely benign is not then subjected to further curation. The score for this variant resulted in a classification of likely benign for this disease.

NM_031935.3(HMCN1):c.8939A>C (p.Asn2980Thr)

Gene: HMCN1 (hemicentin 1; plus strand). Cytogenetic location: 1q31.1.
Variant type: single nucleotide variant.
Coding change: c.8939A>C on transcript NM_031935.3 (MANE Select); coding-DNA position 8939, A replaced by C.
Protein change: p.Asn2980Thr; replaces asparagine 2980 with threonine.
Molecular consequence: missense variant.
Genome position (GRCh38, 1-based): chr1:186,086,300, A>C. VCF-style: chr1-186086300-A-C. GRCh37 (hg19) VCF-style: chr1-186055432-A-C.
Other names: short protein forms N2980T.
Identifiers: ClinVar variation 294203 (VCV000294203.35), dbSNP rs150226500, ClinGen allele CA1293273.